The following is an entry in ClinVar:

NM_000535.7(PMS2):c.324G>A (p.Gly108=)

Gene: PMS2 (PMS1 homolog 2, mismatch repair system component; minus strand). Cytogenetic location: 7p22.1.
Variant type: single nucleotide variant.
Coding change: c.324G>A on transcript NM_000535.7 (MANE Select); coding-DNA position 324, G replaced by A.
Protein change: p.Gly108=; no amino-acid change (glycine 108 retained).
Molecular consequence: synonymous variant. On other transcripts: 5 prime UTR variant (9), non-coding transcript variant (1), intron variant (2).
Genome position (GRCh38, 1-based): chr7:6,003,719, C>T on the plus strand (G>A on the coding strand, the complement: PMS2 is on the minus strand). VCF-style: chr7-6003719-C-T. GRCh37 (hg19) VCF-style: chr7-6043350-C-T.
Other names: c.-161G>A (NM_001322015.2); c.35+253G>A (NM_001322008.2, NM_001322007.2); c.-82G>A (NM_001322003.2, NM_001322004.2, NM_001322005.2 and 3 more transcripts); c.324G>A, p.Gly108= (NM_001322006.2, NM_001322014.2); c.-561G>A (NM_001322011.2, NM_001322012.2).
Identifiers: ClinVar variation 385784 (VCV000385784.15), dbSNP rs1057522330, ClinGen allele CA16605125.

ClinVar aggregate classification (germline): Benign/Likely benign. Review status: criteria provided, multiple submitters, no conflicts (2 of 4 stars). 4 submissions from 4 submitters: Benign (1); Likely benign (3). Last evaluated 2025-01-24.

Conditions:
Hereditary nonpolyposis colorectal neoplasms. Identifiers: MedGen C0009405, MeSH D003123.
Hereditary cancer-predisposing syndrome. Also called: Hereditary Cancer Syndrome; Hereditary neoplastic syndrome; Neoplastic Syndromes, Hereditary; Tumor predisposition. Identifiers: Orphanet 140162, MedGen C0027672, MeSH D009386, MONDO:0015356.
Lynch syndrome 4 (LYNCH4). Also called: Colorectal cancer, hereditary nonpolyposis, type 4; Hereditary non-polyposis colorectal cancer, type 4. Identifiers: Orphanet 144, MedGen C1838333, MONDO:0013699, OMIM 614337. Disease mechanism: loss of function.

Submissions (4):

Myriad Genetics, Inc.
Classification: Benign for Lynch syndrome 4. Last evaluated: 2025-01-24. Review status: criteria provided, single submitter. Criteria: Myriad Autosomal Dominant, Autosomal Recessive and X-Linked Classification Criteria (2023). Collection method: clinical testing. Allele origin: unknown.
Comment: This variant is considered benign. This variant is a silent/synonymous amino acid change and it is not expected to impact splicing.

Labcorp Genetics (formerly Invitae), Labcorp
Classification: Likely benign for Hereditary nonpolyposis colorectal neoplasms. Last evaluated: 2022-07-06. Review status: criteria provided, single submitter. Criteria: Invitae Variant Classification Sherloc (09022015). Collection method: clinical testing. Allele origin: germline.

Ambry Genetics
Classification: Likely benign for Hereditary cancer-predisposing syndrome. Last evaluated: 2020-02-27. Review status: criteria provided, single submitter. Criteria: Ambry Variant Classification Scheme 2023. Collection method: clinical testing. Allele origin: germline.

GeneDx
Classification: Likely benign. Last evaluated: 2016-04-29. Review status: criteria provided, single submitter. Criteria: GeneDx Variant Classification (06012015). Collection method: clinical testing. Allele origin: germline. Affected: yes.
Comment: This variant is considered likely benign or benign based on one or more of the following criteria: it is a conservative change, it occurs at a poorly conserved position in the protein, it is predicted to be benign by multiple in silico algorithms, and/or has population frequency not consistent with disease.